The following is an entry in ClinVar:

NM_000213.5(ITGB4):c.2814C>T (p.Gly938=)

Gene: ITGB4 (integrin subunit beta 4; plus strand). Cytogenetic location: 17q25.1.
Variant type: single nucleotide variant.
Coding change: c.2814C>T on transcript NM_000213.5 (MANE Select); coding-DNA position 2814, C replaced by T.
Protein change: p.Gly938=; no amino-acid change (glycine 938 retained).
Molecular consequence: synonymous variant.
Genome position (GRCh38, 1-based): chr17:75,742,613, C>T. VCF-style: chr17-75742613-C-T. GRCh37 (hg19) VCF-style: chr17-73738694-C-T.
Other names: c.2814C>T, p.Gly938= (NM_001005619.2, NM_001005731.3, NM_001321123.2).
Identifiers: ClinVar variation 2896962 (VCV002896962.5), dbSNP rs748480506, ClinGen allele CA8769592.

ClinVar aggregate classification (germline): Likely benign. Review status: criteria provided, single submitter (1 of 4 stars). 2 submissions from 2 submitters: Likely benign (1). 1 of the submissions does not count toward it. Last evaluated 2024-01-31.

Conditions:
ITGB4-related disorder. Also called: ITGB4-related condition.

Allele frequency attached by ClinVar (database versions not stated): gnomAD exomes 0.00002; ExAC 0.00007.
gnomAD v4.1: 37 of 1,613,878 alleles (0.0023%); highest among the groups gnomAD compares: South Asian, 0.03%; no homozygotes.

Submissions (2):

Labcorp Genetics (formerly Invitae), Labcorp
Classification: Likely benign. Last evaluated: 2024-01-31. Review status: criteria provided, single submitter. Criteria: Invitae Variant Classification Sherloc (09022015). Collection method: clinical testing. Allele origin: germline.

PreventionGenetics, part of Exact Sciences
Classification: Likely benign for ITGB4-related condition. Last evaluated: 2022-12-19. Review status: no assertion criteria provided. Collection method: clinical testing. Allele origin: germline. Not counted in ClinVar's aggregate classification.
Comment: This variant is classified as likely benign based on ACMG/AMP sequence variant interpretation guidelines (Richards et al. 2015 PMID: 25741868, with internal and published modifications).